The following is an entry in ClinVar:

NM_005431.2(XRCC2):c.176A>G (p.Tyr59Cys)

Gene: XRCC2 (X-ray repair cross complementing 2; minus strand). Cytogenetic location: 7q36.1.
Variant type: single nucleotide variant.
Coding change: c.176A>G on transcript NM_005431.2 (MANE Select); coding-DNA position 176, A replaced by G.
Protein change: p.Tyr59Cys; replaces tyrosine 59 with cysteine.
Molecular consequence: missense variant.
Genome position (GRCh38, 1-based): chr7:152,649,309, T>C on the plus strand (A>G on the coding strand, the complement: XRCC2 is on the minus strand). VCF-style: chr7-152649309-T-C. GRCh37 (hg19) VCF-style: chr7-152346394-T-C.
Other names: short protein forms Y59C.
Identifiers: ClinVar variation 820044 (VCV000820044.12), dbSNP rs1590129796, ClinGen allele CA370199260.

ClinVar aggregate classification (germline): Uncertain significance. Review status: criteria provided, multiple submitters, no conflicts (2 of 4 stars). 2 submissions from 2 submitters: Uncertain significance (2). Last evaluated 2024-02-29.

Conditions:
Hereditary cancer-predisposing syndrome. Also called: Neoplastic Syndromes, Hereditary; Tumor predisposition; Hereditary Cancer Syndrome; Hereditary neoplastic syndrome. Identifiers: Orphanet 140162, MedGen C0027672, MeSH D009386, MONDO:0015356.

Allele frequency attached by ClinVar (database versions not stated): gnomAD exomes 0.00001.
gnomAD v4.1: 14 of 1,611,614 alleles (0.00087%); highest among the groups gnomAD compares: Non-Finnish European, 0.0012%; no homozygotes.

Submissions (2):

Ambry Genetics
Classification: Uncertain significance for Hereditary cancer-predisposing syndrome. Last evaluated: 2024-02-29. Review status: criteria provided, single submitter. Criteria: Ambry Variant Classification Scheme 2023. Collection method: clinical testing. Allele origin: germline.
Comment: The p.Y59C variant (also known as c.176A>G), located in coding exon 3 of the XRCC2 gene, results from an A to G substitution at nucleotide position 176. The tyrosine at codon 59 is replaced by cysteine, an amino acid with highly dissimilar properties. This amino acid position is highly conserved in available vertebrate species. In addition, the in silico prediction for this alteration is inconclusive. Since supporting evidence is limited at this time, the clinical significance of this alteration remains unclear.

Labcorp Genetics (formerly Invitae), Labcorp
Classification: Uncertain significance. Last evaluated: 2020-11-24. Review status: criteria provided, single submitter. Criteria: Invitae Variant Classification Sherloc (09022015). Collection method: clinical testing. Allele origin: germline.
Comment: In summary, the available evidence is currently insufficient to determine the role of this variant in disease. Therefore, it has been classified as a Variant of Uncertain Significance. Algorithms developed to predict the effect of missense changes on protein structure and function are either unavailable or do not agree on the potential impact of this missense change (SIFT: "Tolerated"; PolyPhen-2: "Possibly Damaging"; Align-GVGD: "Class C0"). This variant has not been reported in the literature in individuals with XRCC2-related conditions. ClinVar contains an entry for this variant (Variation ID: 820044). This variant is not present in population databases (ExAC no frequency). This sequence change replaces tyrosine with cysteine at codon 59 of the XRCC2 protein (p.Tyr59Cys). The tyrosine residue is highly conserved and there is a large physicochemical difference between tyrosine and cysteine.